The following is an entry in ClinVar:

NM_001037.5(SCN1B):c.240GGA[2] (p.Glu82del)

Gene: SCN1B (sodium voltage-gated channel beta subunit 1; plus strand). Cytogenetic location: 19q13.11.
Variant type: Microsatellite.
Coding change: c.240GGA[2] on transcript NM_001037.5 (MANE Select); two copies in a row of the 3-base unit GGA starting at c.240; the reference has three copies in a row; one copy, 3 bases deleted.
Protein change: p.Glu82del; deletes glutamic acid 82.
Molecular consequence: inframe deletion.
Genome position (GRCh38, 1-based): chr19:35,033,537-35,033,539, GGA deleted; deleting any 3 consecutive bases within chr19:35,033,531-35,033,539 gives the same sequence; the position shown is the placement nearest the transcript's 3' end. VCF-style (leftmost placement, unchanged base first): chr19-35033530-TGGA-T. GRCh37 (hg19) VCF-style: chr19-35524434-TGGA-T.
Other names: c.141GGA[2], p.Glu49del (NM_001321605.2); c.240GGA[2], p.Glu82del (NM_199037.5); short protein forms E49del, E82del.
Identifiers: ClinVar variation 1311951 (VCV001311951.2), dbSNP rs2151746376, ClinGen allele CA2580613105.
Genomic context (GRCh38, chr19:35,033,530, plus strand): 5'-GACACCTTCCCCTCCCTGGCTACCCCTAGATCCTGCGCTATGAGAATGAGGTGTTGCAGC[TGGA>T]GGAGGATGAGCGCTTCGAGGGCCGCGTGGTGTGGAATGGCAGCCGGGGCACCAAAGACCT-3'

ClinVar aggregate classification (germline): Uncertain significance (1 of 4 stars; one submission).

Submission:

GeneDx
Classification: Uncertain significance. Last evaluated: 2019-09-13. Review status: criteria provided, single submitter. Criteria: GeneDx Variant Classification Process June 2021. Collection method: clinical testing. Allele origin: germline. Affected: yes.
Comment: Not observed in large population cohorts (Lek et al., 2016); In-frame deletion of 1 amino acid in a non-repeat region; In silico analysis, which includes protein predictors and evolutionary conservation, supports that this variant does not alter protein structure/function; Has not been previously published as pathogenic or benign to our knowledge